The following is an entry in ClinVar:

NM_001370466.1(NOD2):c.1690G>A (p.Val564Ile)

Gene: NOD2 (nucleotide binding oligomerization domain containing 2; plus strand). Cytogenetic location: 16q12.1.
Variant type: single nucleotide variant.
Coding change: c.1690G>A on transcript NM_001370466.1 (MANE Select); coding-DNA position 1690, G replaced by A.
Protein change: p.Val564Ile; replaces valine 564 with isoleucine.
Molecular consequence: missense variant. On other transcripts: non-coding transcript variant (1).
Genome position (GRCh38, 1-based): chr16:50,711,682, G>A. VCF-style: chr16-50711682-G-A. GRCh37 (hg19) VCF-style: chr16-50745593-G-A.
Other names: c.1690G>A, p.Val564Ile (NM_001293557.2); c.1771G>A, p.Val591Ile (NM_022162.3); short protein forms V564I, V591I.
Identifiers: ClinVar variation 2627260 (VCV002627260.1), dbSNP rs768306879, ClinGen allele CA8051621.

ClinVar aggregate classification (germline): Uncertain significance (1 of 4 stars; one submission).

Allele frequency attached by ClinVar (database versions not stated): gnomAD exomes below 0.00001; TOPMed below 0.00001; ExAC 0.00001; gnomAD 0.00001.
gnomAD v4.1: 2 of 1,613,622 alleles (0.00012%); highest among the groups gnomAD compares: Non-Finnish European, 0.00017%; no homozygotes.

Submission:

Women's Health and Genetics/Laboratory Corporation of America, LabCorp
Classification: Uncertain significance. Last evaluated: 2023-09-16. Review status: criteria provided, single submitter. Criteria: LabCorp Variant Classification Summary - May 2015. Collection method: clinical testing. Allele origin: germline.
Comment: Variant summary: NOD2 c.1771G>A (p.Val591Ile) results in a conservative amino acid change in the encoded protein sequence. Five of five in-silico tools predict a benign effect of the variant on protein function. The variant allele was found at a frequency of 4e-06 in 250662 control chromosomes (i.e., 1 heterozygote; gnomAD v2.1 Exomes dataset). The available data on variant occurrences in the general population are insufficient to allow any conclusion about variant significance. To our knowledge, no occurrence of c.1771G>A in individuals affected with NOD2-Related Disorders and no experimental evidence demonstrating its impact on protein function have been reported. No submitters have reported clinical-significance assessments for this variant to ClinVar after 2014. Based on the evidence outlined above, the variant was classified as uncertain significance.